The following is an entry in ClinVar:

NM_000548.5(TSC2):c.739A>G (p.Ile247Val)

Gene: TSC2 (TSC complex subunit 2; plus strand). Cytogenetic location: 16p13.3.
Variant type: single nucleotide variant.
Coding change: c.739A>G on transcript NM_000548.5 (MANE Select); coding-DNA position 739, A replaced by G.
Protein change: p.Ile247Val; replaces isoleucine 247 with valine.
Molecular consequence: missense variant.
Genome position (GRCh38, 1-based): chr16:2,056,734, A>G. VCF-style: chr16-2056734-A-G. GRCh37 (hg19) VCF-style: chr16-2106735-A-G.
Other names: c.739A>G, p.Ile247Val (NM_001114382.3, NM_001077183.3, NM_001363528.2 and 3 more transcripts); c.628A>G, p.Ile210Val (NM_001318827.2); c.592A>G, p.Ile198Val (NM_001318829.2); c.139A>G, p.Ile47Val (NM_001318831.2); c.772A>G, p.Ile258Val (NM_001318832.2); short protein forms I247V, I210V, I198V, I47V, I258V.
Identifiers: ClinVar variation 318307 (VCV000318307.22), dbSNP rs774526017, ClinGen allele CA056277.

ClinVar aggregate classification (germline): Conflicting classifications of pathogenicity. Review status: criteria provided, conflicting classifications (1 of 4 stars). 6 submissions from 6 submitters: Uncertain significance (2); Benign (1); Likely benign (3). Last evaluated 2025-11-14.

Conditions:
Hereditary cancer-predisposing syndrome. Also called: Neoplastic Syndromes, Hereditary; Hereditary neoplastic syndrome; Tumor predisposition; Hereditary Cancer Syndrome. Identifiers: Orphanet 140162, MedGen C0027672, MeSH D009386, MONDO:0015356.
Tuberous sclerosis syndrome (TSC). Also called: Tuberous Sclerosis Complex; Tuberous sclerosis. Identifiers: Orphanet 805, MedGen C0041341, MONDO:0001734.
Tuberous sclerosis 2 (TSC2). Identifiers: Orphanet 805, MedGen C1860707, MONDO:0013199, OMIM 613254.

Allele frequency attached by ClinVar (database versions not stated): gnomAD 0.00001; gnomAD exomes 0.00001 and 0.00002; ExAC 0.00002; TOPMed 0.00002.
gnomAD v4.1: 10 of 1,611,648 alleles (0.00062%); highest among the groups gnomAD compares: East Asian, 0.0067%; no homozygotes.

Submissions (6):

Labcorp Genetics (formerly Invitae), Labcorp
Classification: Benign for Tuberous sclerosis 2. Last evaluated: 2025-11-14. Review status: criteria provided, single submitter. Criteria: Invitae Variant Classification Sherloc (09022015). Collection method: clinical testing. Allele origin: germline.

Ambry Genetics
Classification: Uncertain significance for Hereditary cancer-predisposing syndrome. Last evaluated: 2025-05-05. Review status: criteria provided, single submitter. Criteria: Ambry Variant Classification Scheme 2023. Collection method: clinical testing. Allele origin: germline.
Comment: The p.I247V variant (also known as c.739A>G), located in coding exon 7 of the TSC2 gene, results from an A to G substitution at nucleotide position 739. The isoleucine at codon 247 is replaced by valine, an amino acid with highly similar properties. This amino acid position is not well conserved in available vertebrate species, and valine is the reference amino acid in other vertebrate species. In addition, this alteration is predicted to be tolerated by in silico analysis. Since supporting evidence is limited at this time, the clinical significance of this alteration remains unclear.

Myriad Genetics, Inc.
Classification: Likely benign for Tuberous sclerosis 2. Last evaluated: 2024-08-26. Review status: criteria provided, single submitter. Criteria: Myriad Autosomal Dominant, Autosomal Recessive and X-Linked Classification Criteria (2023). Collection method: clinical testing. Allele origin: unknown.
Comment: This variant is considered likely benign. This variant has been observed at a population frequency that is significantly greater than expected given the associated disease prevalence and penetrance.

Genome-Nilou Lab
Classification: Likely benign for Tuberous sclerosis 2. Last evaluated: 2021-11-07. Review status: criteria provided, single submitter. Criteria: ACMG Guidelines, 2015. Collection method: clinical testing. Allele origin: germline. Affected: no.

Illumina Laboratory Services, Illumina
Classification: Uncertain significance for Tuberous sclerosis syndrome. Last evaluated: 2018-01-13. Review status: criteria provided, single submitter. Criteria: ICSL Variant Classification Criteria 13 December 2019. Collection method: clinical testing. Allele origin: germline.

GeneDx
Classification: Likely benign. Last evaluated: 2015-12-21. Review status: criteria provided, single submitter. Criteria: GeneDx Variant Classification (06012015). Collection method: clinical testing. Allele origin: germline. Affected: yes.
Comment: This variant is considered likely benign or benign based on one or more of the following criteria: it is a conservative change, it occurs at a poorly conserved position in the protein, it is predicted to be benign by multiple in silico algorithms, and/or has population frequency not consistent with disease.